The following is an entry in ClinVar:

ClinVar aggregate classification (germline): Likely benign. Review status: criteria provided, multiple submitters, no conflicts (2 of 4 stars). 2 submissions from 2 submitters: Likely benign (2). Last evaluated 2025-12-08.

Conditions:
USH1C-related disorder. Also called: USH1C-related condition.

Allele frequency attached by ClinVar (database versions not stated): gnomAD 0.00001 and 0.00003; gnomAD exomes 0.00001 and 0.00003; TOPMed 0.00002; ExAC 0.00004.

Submissions (2):

Labcorp Genetics (formerly Invitae), Labcorp
Classification: Likely benign. Last evaluated: 2025-12-08. Review status: criteria provided, single submitter. Criteria: Invitae Variant Classification Sherloc (09022015). Collection method: clinical testing. Allele origin: germline.

PreventionGenetics, part of Exact Sciences
Classification: Likely benign for USH1C-related condition. Last evaluated: 2025-05-20. Review status: criteria provided, single submitter. Criteria: ACMG Guidelines, 2015. Collection method: clinical testing. Allele origin: germline.
Comment: This variant is classified as likely benign based on ACMG/AMP sequence variant interpretation guidelines (Richards et al. 2015 PMID: 25741868, with internal and published modifications).

NM_153676.4(USH1C):c.1211-1104G>A

Gene: USH1C (USH1 protein network component harmonin; minus strand). Cytogenetic location: 11p15.1.
Variant type: single nucleotide variant.
Coding change: c.1211-1104G>A on transcript NM_153676.4 (MANE Select); 1104 bases into the intron before coding-DNA position 1211, G replaced by A.
Molecular consequence: intron variant.
Genome position (GRCh38, 1-based): chr11:17,517,394, C>T on the plus strand (G>A on the coding strand, the complement: USH1C is on the minus strand). VCF-style: chr11-17517394-C-T. GRCh37 (hg19) VCF-style: chr11-17538941-C-T.
Other names: c.1227+7G>A (NM_001297764.2, NM_001297764.1); c.1284+7G>A (NM_005709.4).
Identifiers: ClinVar variation 1084220 (VCV001084220.10), dbSNP rs756459913, ClinGen allele CA5904658.
Genomic context (GRCh38, chr11:17,517,394, plus strand): 5'-CGGTCAGGAGGAGGCGGGCAGGGTAAAGCAGAGCAGCCAGGCCAGGGAGCAAAGCGGGGA[C>T]GCGAACCTGCTCTCCCTGCTCCTCCGTGCCTCCATCCAGGTCATCTGCGGGCTCGAGCTC-3'